The following is an entry in ClinVar:

ClinVar aggregate classification (germline): Uncertain significance. Review status: criteria provided, single submitter (1 of 4 stars). 2 submissions from 2 submitters: Uncertain significance (1). 1 of the submissions does not count toward it. Last evaluated 2024-12-05.

Conditions:
BBS10-related disorder. Also called: BBS10-related condition.
Bardet-Biedl syndrome 10 (BBS10). Identifiers: Orphanet 110, MedGen C1859568, MONDO:0014438, OMIM 615987.

gnomAD v4.1: 1 of 1,612,616 alleles (0.000062%); highest among the groups gnomAD compares: East Asian, 0.0022%; no homozygotes.

Submissions (2):

PreventionGenetics, part of Exact Sciences
Classification: Uncertain significance for BBS10-related condition. Last evaluated: 2024-12-05. Review status: criteria provided, single submitter. Criteria: ACMG Guidelines, 2015. Collection method: clinical testing. Allele origin: germline.
Comment: The BBS10 c.755A>G variant is predicted to result in the amino acid substitution p.Asp252Gly. To our knowledge, this variant has not been reported in the literature or in a large population database (gnomAD), indicating this variant is rare. At this time, the clinical significance of this variant is uncertain due to the absence of conclusive functional and genetic evidence.

Natera, Inc.
Classification: Uncertain significance for Bardet-Biedl syndrome type 10. Last evaluated: 2025-02-10. Review status: no assertion criteria provided. Collection method: clinical testing. Allele origin: germline. Not counted in ClinVar's aggregate classification.

NM_024685.4(BBS10):c.755A>G (p.Asp252Gly)

Gene: BBS10 (Bardet-Biedl syndrome 10; minus strand). Cytogenetic location: 12q21.2.
Variant type: single nucleotide variant.
Coding change: c.755A>G on transcript NM_024685.4 (MANE Select); coding-DNA position 755, A replaced by G.
Protein change: p.Asp252Gly; replaces aspartic acid 252 with glycine.
Molecular consequence: missense variant.
Genome position (GRCh38, 1-based): chr12:76,347,230, T>C on the plus strand (A>G on the coding strand, the complement: BBS10 is on the minus strand). VCF-style: chr12-76347230-T-C. GRCh37 (hg19) VCF-style: chr12-76741010-T-C.
Other names: short protein forms D252G.
Identifiers: ClinVar variation 4063701 (VCV004063701.2).